The following is an entry in ClinVar:

NM_001165963.4(SCN1A):c.5121T>G (p.Phe1707Leu)

Genes: SCN1A (sodium voltage-gated channel alpha subunit 1; minus strand), LOC102724058 (uncharacterized LOC102724058; plus strand). Cytogenetic location: 2q24.3.
Variant type: single nucleotide variant.
Coding change: c.5121T>G on transcript NM_001165963.4 (MANE Select); coding-DNA position 5121, T replaced by G.
Protein change: p.Phe1707Leu; replaces phenylalanine 1707 with leucine.
Molecular consequence: missense variant. On other transcripts: non-coding transcript variant (1).
Genome position (GRCh38, 1-based): chr2:165,992,154, A>C on the plus strand (T>G on the coding strand, the complement: SCN1A is on the minus strand). VCF-style: chr2-165992154-A-C. GRCh37 (hg19) VCF-style: chr2-166848664-A-C.
Other names: c.5037T>G, p.Phe1679Leu (NM_001165964.3, NM_001353957.2, NM_001353958.2); c.5121T>G, p.Phe1707Leu (NM_001202435.3, NM_001353948.2); c.5088T>G, p.Phe1696Leu (NM_001353949.2, NM_001353950.2, NM_001353951.2 and 2 more transcripts); c.5085T>G, p.Phe1695Leu (NM_001353954.2, NM_001353955.2); c.5034T>G, p.Phe1678Leu (NM_001353960.2); c.2679T>G, p.Phe893Leu (NM_001353961.2); short protein forms F1696L, F1707L, F893L, F1678L, F1679L, F1695L.
Identifiers: ClinVar variation 421189 (VCV000421189.2), dbSNP rs796053033, ClinGen allele CA16617283.

ClinVar aggregate classification (germline): Likely pathogenic (1 of 4 stars; one submission).

Submission:

GeneDx
Classification: Likely pathogenic. Last evaluated: 2017-03-08. Review status: criteria provided, single submitter. Criteria: GeneDx Variant Classification (06012015). Collection method: clinical testing. Allele origin: germline. Affected: yes.
Comment: A F1707L variant that is likely pathogenic has been identified in the SCN1A gene. The F1707L variant has not been published as a pathogenic variant, nor has it been reported as a benign variant to our knowledge. It was not observed in approximately 6,500 individuals of European and African American ancestry in the NHLBI Exome Sequencing Project, indicating it is not a common benign variant in these populations. This substitution occurs at a conserved position predicted to be within the pore forming loop between the S5 and S6 transmembrane segments of the fourth homologous domain. In silico analysis predicts this variant is probably damaging to the protein structure/function. Additionally, a different missense variant at the same codon (F1707V) as well as multiple missense variants in nearby residues have been reported in Human Gene Mutation Database in association with SCNA1-related disorders (Stenson et al., 2014), supporting the functional importance of this region of the protein. However, the F1707L variant is a conservative amino acid substitution, which is not likely to impact secondary protein structure as these residues share similar properties. Therefore, this variant is likely pathogenic; however, the possibility that it is benign cannot be excluded.